The following is an entry in ClinVar:

NM_001927.4(DES):c.977A>G (p.His326Arg)

Gene: DES (desmin; plus strand). Cytogenetic location: 2q35.
Variant type: single nucleotide variant.
Coding change: c.977A>G on transcript NM_001927.4 (MANE Select); coding-DNA position 977, A replaced by G.
Protein change: p.His326Arg; replaces histidine 326 with arginine.
Molecular consequence: missense variant. On other transcripts: intron variant (1).
Genome position (GRCh38, 1-based): chr2:219,420,907, A>G. VCF-style: chr2-219420907-A-G. GRCh37 (hg19) VCF-style: chr2-220285629-A-G.
Other names: c.974A>G, p.His325Arg (NM_001382708.1); c.977A>G, p.His326Arg (NM_001382710.1, NM_001382711.1, NM_001382712.1); c.707A>G, p.His236Arg (NM_001382713.1); c.735+561A>G (NM_001382709.1); short protein forms H325R, H326R, H236R.
Identifiers: ClinVar variation 1466627 (VCV001466627.9), dbSNP rs2125168243, ClinGen allele CA350692964.

ClinVar aggregate classification (germline): Uncertain significance. Review status: criteria provided, single submitter (1 of 4 stars). 2 submissions from 2 submitters: Uncertain significance (1). 1 of the submissions does not count toward it. Last evaluated 2025-07-08.

Conditions:
Dilated cardiomyopathy 1I (CMD1I). Identifiers: Orphanet 154, MedGen C1858154, MONDO:0011482, OMIM 604765.
Desmin-related myofibrillar myopathy (MFM1). Also called: Desminopathy; Desmin related myopathy (former name); Desmin storage myopathy (former name); DESMIN-RELATED MYOPATHY WITH ARRHYTHMOGENIC RIGHT VENTRICULAR CARDIOMYOPATHY; MYOFIBRILLAR MYOPATHY WITH ARRHYTHMOGENIC RIGHT VENTRICULAR CARDIOMYOPATHY; Myofibrillar myopathy 1. Identifiers: Orphanet 363543, Orphanet 98909, MedGen C1832370, MONDO:0011076, OMIM 601419.

Submissions (2):

Labcorp Genetics (formerly Invitae), Labcorp
Classification: Uncertain significance for Desmin-related myofibrillar myopathy. Last evaluated: 2025-07-08. Review status: criteria provided, single submitter. Criteria: Invitae Variant Classification Sherloc (09022015). Collection method: clinical testing. Allele origin: germline.
Comment: This sequence change replaces histidine, which is basic and polar, with arginine, which is basic and polar, at codon 326 of the DES protein (p.His326Arg). This variant is not present in population databases (gnomAD no frequency). This missense change has been observed in individual(s) with DES-related conditions (PMID: 24200904). ClinVar contains an entry for this variant (Variation ID: 1466627). Invitae Evidence Modeling of protein sequence and biophysical properties (such as structural, functional, and spatial information, amino acid conservation, physicochemical variation, residue mobility, and thermodynamic stability) indicates that this missense variant is not expected to disrupt DES protein function with a negative predictive value of 80%. Experimental studies have shown that this missense change does not substantially affect DES function (PMID: 24200904). In summary, the available evidence is currently insufficient to determine the role of this variant in disease. Therefore, it has been classified as a Variant of Uncertain Significance.

Rajaie Cardiovascular, Medical and Research Center, Iran University of Medical Sciences
Classification: Likely pathogenic for Dilated cardiomyopathy 1I. Review status: no assertion criteria provided. Collection method: research. Allele origin: somatic. Inheritance: Autosomal dominant inheritance. Affected: yes. Observed: 1 heterozygote. Not counted in ClinVar's aggregate classification.
Comment: The DES gene encodes the Desmin protein which is an intermediate filament expressed by cardiac cells. Mutations in DES gene cause Arrhythmogenic right ventricular cardiomyopathy with autosomal dominant inheritance.

Literature cited by the submitters: PubMed 24200904 (cited by Labcorp Genetics (formerly Invitae), Labcorp).